The following is an entry in ClinVar:

NM_000321.3(RB1):c.2043G>T (p.Trp681Cys)

Gene: RB1 (RB transcriptional corepressor 1; plus strand). Cytogenetic location: 13q14.2.
Variant type: single nucleotide variant.
Coding change: c.2043G>T on transcript NM_000321.3 (MANE Select); coding-DNA position 2043, G replaced by T.
Protein change: p.Trp681Cys; replaces tryptophan 681 with cysteine.
Molecular consequence: missense variant.
Genome position (GRCh38, 1-based): chr13:48,459,770, G>T. VCF-style: chr13-48459770-G-T. GRCh37 (hg19) VCF-style: chr13-49033906-G-T.
Other names: c.2043G>T, p.Trp681Cys (NM_001407165.1); short protein forms W681C.
Identifiers: ClinVar variation 4863025 (VCV004863025.1).
Genomic context (GRCh38, chr13:48,459,770, plus strand): 5'-GCTAAATACACTTTGTGAACGCCTTCTGTCTGAGCACCCAGAATTAGAACATATCATCTG[G>T]ACCCTTTTCCAGCACACCCTGCAGAATGAGTATGAACTCATGAGAGACAGGCATTTGGAC-3'
Protein context (NP_000312.2, residues 671-691): SEHPELEHII[Trp681Cys]TLFQHTLQNE

ClinVar aggregate classification (germline): Uncertain significance (1 of 4 stars; one submission).

Conditions:
Hereditary cancer-predisposing syndrome. Also called: Neoplastic Syndromes, Hereditary; Tumor predisposition; Hereditary Cancer Syndrome; Hereditary neoplastic syndrome. Identifiers: Orphanet 140162, MedGen C0027672, MeSH D009386, MONDO:0015356.

Submission:

Ambry Genetics
Classification: Uncertain significance for Hereditary cancer-predisposing syndrome. Last evaluated: 2026-05-01. Review status: criteria provided, single submitter. Criteria: Ambry Variant Classification Scheme 2023. Collection method: clinical testing. Allele origin: germline.
Comment: The p.W681C variant (also known as c.2043G>T), located in coding exon 20 of the RB1 gene, results from a G to T substitution at nucleotide position 2043. The tryptophan at codon 681 is replaced by cysteine, an amino acid with highly dissimilar properties. This amino acid position is conserved. In addition, this alteration is predicted to be deleterious by in silico analysis. Based on the available evidence, the clinical significance of this variant remains unclear.